The following is an entry in ClinVar:

NM_001127222.2(CACNA1A):c.1936C>T (p.Pro646Ser)

Gene: CACNA1A (calcium voltage-gated channel subunit alpha1 A; minus strand). Cytogenetic location: 19p13.13.
Variant type: single nucleotide variant.
Coding change: c.1936C>T on transcript NM_001127222.2 (MANE Select); coding-DNA position 1936, C replaced by T.
Protein change: p.Pro646Ser; replaces proline 646 with serine.
Molecular consequence: missense variant.
Genome position (GRCh38, 1-based): chr19:13,307,832, G>A on the plus strand (C>T on the coding strand, the complement: CACNA1A is on the minus strand). VCF-style: chr19-13307832-G-A. GRCh37 (hg19) VCF-style: chr19-13418646-G-A.
Other names: c.1939C>T, p.Pro647Ser (NM_000068.4, NM_001127221.2, NM_001174080.2 and 1 more transcripts); short protein forms P646S, P647S.
Identifiers: ClinVar variation 4056023 (VCV004056023.1).
Genomic context (GRCh38, chr19:13,307,832, plus strand): 5'-GAGGCTGTACCTGAAACACCGTCATTATTGCTGCTGGAAAAGTATCGAAGTTGGTGGGAG[G>A]AGTCCCTTCATCGAAATTAAACCTGCAGGGAGGACACAGACATTTCACGTTGGCCCCACC-3'
Protein context (NP_001120694.1, residues 636-656): GGQFNFDEGT[Pro646Ser]PTNFDTFPAA

ClinVar aggregate classification (germline): Uncertain significance (1 of 4 stars; one submission).

Submission:

GeneDx
Classification: Uncertain significance. Last evaluated: 2025-01-04. Review status: criteria provided, single submitter. Criteria: GeneDx Variant Classification Process June 2021. Collection method: clinical testing. Allele origin: germline. Affected: yes.
Comment: Not observed at significant frequency in large population cohorts (gnomAD); In silico analysis supports that this missense variant has a deleterious effect on protein structure/function; Has not been previously published as pathogenic or benign to our knowledge